The following is an entry in ClinVar:

ClinVar aggregate classification (germline): Likely benign. Review status: reviewed by expert panel (3 of 4 stars). 5 submissions from 5 submitters: Likely benign (1). 4 of the submissions do not count toward it. Last evaluated 2024-09-11.

Conditions:
Inborn genetic diseases. Identifiers: MedGen C0950123, MeSH D030342.
Cerebral creatine deficiency syndrome. Also called: Creatine deficiency syndromes. Identifiers: Orphanet 79172, MedGen C5244016, MONDO:0000456.
Deficiency of guanidinoacetate methyltransferase (CCDS2). Also called: CEREBRAL CREATINE DEFICIENCY SYNDROME 2; GAMT DEFICIENCY; Guanidinoacetate Methyltransferase (GAMT) Deficiency. Identifiers: Orphanet 382, MedGen C0574080, MONDO:0012999, OMIM 612736.

Allele frequency attached by ClinVar (database versions not stated): 1000 Genomes Project 30x 0.00016; 1000 Genomes Project 0.00020; gnomAD exomes 0.00009 and 0.00008; gnomAD 0.00009 and 0.00010; ExAC 0.00006; TOPMed 0.00008.
gnomAD v4.1: 132 of 1,605,296 alleles (0.0082%); highest among the groups gnomAD compares: Non-Finnish European, 0.01%; no homozygotes.

Submissions (5):

ClinGen Cerebral Creatine Deficiency Syndromes Variant Curation Expert Panel, ClinGen
Classification: Likely benign for Deficiency of guanidinoacetate methyltransferase. Last evaluated: 2024-09-11. Review status: reviewed by expert panel. Criteria: ClinGen CCDS ACMG Specifications GAMT V2.0.0. Collection method: curation. Allele origin: germline. Inheritance: Autosomal recessive inheritance.
Comment: The NM_000156.6:c.587C>T variant in GAMT is a missense variant that is predicted to cause the substitution of an alanine by a valine at amino acid position 196 (p.Ala196Val). This variant has been previously reported as a heterozygous variant detected in the context of newborn screening in Dutch newborns (PMID: 26319512). Expression of the variant in GAMT-deficient fibroblasts resulted in similar activity as wild type GAMT indicating that this variant does not impact protein function (PMID: 26319512) (BS3_Supporting). The highest population minor allele frequency in gnomAD v4.1.0. is 0.0001043 (123/1179840 alleles; no homozygotes) in the European (Non-Finnish) population, which is lower than the ClinGen CCDS VCEP's threshold for PM2_Supporting (<0.0004), meeting this criterion (PM2_Supporting). The computational predictor REVEL gives a score of 0.267 which is below the threshold of 0.29, evidence that does not predict a damaging effect on GAMT function (BP4). There is a ClinVar entry for this variant (Variation ID: 205588). Although there is conflicting evidence, with two benign criteria met (BP4 and BS3_Supporting) and one pathogenic criterion met (PM2_Supporting), the consensus from the ClinGen CCDS VCEP is that this variant is likely benign for GAMT deficiency, based upon the in silico and functional evidence. GAMT-specific ACMG/AMP codes met, as specified by the ClinGen Cerebral Creatine Deficiency Syndromes VCEP (Specifications Version 2.0.0): PM2_Supporting, BS3_Supporting, BP4 (classification modified to likely benign) (Classification approved by the ClinGen Cerebral Creatine Deficiency Syndromes Variant Curation Expert Panel on September 11, 2024)

Labcorp Genetics (formerly Invitae), Labcorp
Classification: Uncertain significance for Cerebral creatine deficiency syndrome. Last evaluated: 2022-08-15. Review status: criteria provided, single submitter. Criteria: Invitae Variant Classification Sherloc (09022015). Collection method: clinical testing. Allele origin: germline. Not counted in ClinVar's aggregate classification.
Comment: This sequence change replaces alanine, which is neutral and non-polar, with valine, which is neutral and non-polar, at codon 196 of the GAMT protein (p.Ala196Val). This variant is present in population databases (rs565109128, gnomAD 0.02%). This variant has not been reported in the literature in individuals affected with GAMT-related conditions. ClinVar contains an entry for this variant (Variation ID: 205588). Algorithms developed to predict the effect of missense changes on protein structure and function (SIFT, PolyPhen-2, Align-GVGD) all suggest that this variant is likely to be tolerated. Experimental studies have shown that this missense change does not substantially affect GAMT function (PMID: 26319512). In summary, the available evidence is currently insufficient to determine the role of this variant in disease. Therefore, it has been classified as a Variant of Uncertain Significance.

CeGaT Center for Human Genetics Tuebingen
Classification: Uncertain significance. Last evaluated: 2021-10-01. Review status: criteria provided, single submitter. Criteria: CeGaT Center For Human Genetics Tuebingen Variant Classification Criteria Version 2. Collection method: clinical testing. Allele origin: germline. Affected: yes. Observed: 1 variant allele. Not counted in ClinVar's aggregate classification.

GeneDx
Classification: Likely benign. Last evaluated: 2021-06-10. Review status: criteria provided, single submitter. Criteria: GeneDx Variant Classification Process June 2021. Collection method: clinical testing. Allele origin: germline. Affected: yes. Not counted in ClinVar's aggregate classification.
Comment: This variant is associated with the following publications: (PMID: 26319512)

Ambry Genetics
Classification: Uncertain significance for Inborn genetic diseases. Last evaluated: 2017-09-28. Review status: criteria provided, single submitter. Criteria: Ambry Variant Classification Scheme 2023. Collection method: clinical testing. Allele origin: germline. Not counted in ClinVar's aggregate classification.
Comment: The p.A196V variant (also known as c.587C>T), located in coding exon 6 of the GAMT gene, results from a C to T substitution at nucleotide position 587. The alanine at codon 196 is replaced by valine, an amino acid with similar properties. This alteration has been reported in a heterozygous state in a pilot newborn screening program in the Netherlands (Mercimek-Mahmutoglu S et al. Gene, 2016 Jan;575:127-31). This amino acid position is not well conserved in available vertebrate species. In addition, this alteration is predicted to be tolerated by in silico analysis. Since supporting evidence is limited at this time, the clinical significance of this alteration remains unclear.

Literature cited by the submitters: PubMed 26319512 (cited by Labcorp Genetics (formerly Invitae), Labcorp and Ambry Genetics).

NM_000156.6(GAMT):c.587C>T (p.Ala196Val)

Gene: GAMT (guanidinoacetate N-methyltransferase; minus strand). Cytogenetic location: 19p13.3.
Variant type: single nucleotide variant.
Coding change: c.587C>T on transcript NM_000156.6 (MANE Select); coding-DNA position 587, C replaced by T.
Protein change: p.Ala196Val; replaces alanine 196 with valine.
Molecular consequence: missense variant.
Genome position (GRCh38, 1-based): chr19:1,397,483, G>A on the plus strand (C>T on the coding strand, the complement: GAMT is on the minus strand). VCF-style: chr19-1397483-G-A. GRCh37 (hg19) VCF-style: chr19-1397482-G-A.
Other names: p.A196V:GCG>GTG; NM_000156.6(GAMT):c.587C>T; short protein forms A196V.
Identifiers: ClinVar variation 205588 (VCV000205588.43), dbSNP rs565109128, ClinGen allele CA314820.